The following is an entry in ClinVar:

NM_000018.4(ACADVL):c.1435-2A>G

Gene: ACADVL (acyl-CoA dehydrogenase very long chain; plus strand). Cytogenetic location: 17p13.1.
Variant type: single nucleotide variant.
Coding change: c.1435-2A>G on transcript NM_000018.4 (MANE Select); the canonical splice acceptor site of the intron before coding-DNA position 1435, A replaced by G.
Molecular consequence: splice acceptor variant.
Genome position (GRCh38, 1-based): chr17:7,224,144, A>G. VCF-style: chr17-7224144-A-G. GRCh37 (hg19) VCF-style: chr17-7127463-A-G.
Other names: c.1504-2A>G (NM_001270447.2); c.1207-2A>G (NM_001270448.2); c.1369-2A>G (NM_001033859.3).
Identifiers: ClinVar variation 5018806 (VCV005018806.2).

ClinVar aggregate classification (germline): Likely pathogenic (1 of 4 stars; one submission).

Conditions:
Very long chain acyl-CoA dehydrogenase deficiency (ACADVLD). Also called: VLCAD Deficiency; Very Long-Chain Acyl-Coenzyme A Dehydrogenase Deficiency. Identifiers: Orphanet 26793, MedGen C3887523, MONDO:0008723, OMIM 201475.

Submission:

Juno Genomics, Hangzhou Juno Genomics, Inc
Classification: Likely pathogenic for Very long chain acyl-CoA dehydrogenase deficiency. Review status: criteria provided, single submitter. Criteria: ACMG Guidelines, 2015. Collection method: clinical testing. Allele origin: germline.
Comment: Absent from controls (or at extremely low frequency if recessive) in Genome Aggregation Database.;Null variant in a gene where loss of function (LOF) is a known mechanism of disease.